The following is an entry in ClinVar:

NM_000257.4(MYH7):c.1051A>G (p.Lys351Glu)

Gene: MYH7 (myosin heavy chain 7; minus strand). Cytogenetic location: 14q11.2.
Variant type: single nucleotide variant.
Coding change: c.1051A>G on transcript NM_000257.4 (MANE Select); coding-DNA position 1051, A replaced by G.
Protein change: p.Lys351Glu; replaces lysine 351 with glutamic acid.
Molecular consequence: missense variant.
Genome position (GRCh38, 1-based): chr14:23,429,862, T>C on the plus strand (A>G on the coding strand, the complement: MYH7 is on the minus strand). VCF-style: chr14-23429862-T-C. GRCh37 (hg19) VCF-style: chr14-23899071-T-C.
Other names: p.K351E:AAG>GAG; c.1051A>G (LRG_384t1); short protein forms K351E.
Identifiers: ClinVar variation 181335 (VCV000181335.18), dbSNP rs730880864, ClinGen allele CA010108.

ClinVar aggregate classification (germline): Pathogenic/Likely pathogenic. Review status: criteria provided, multiple submitters, no conflicts (2 of 4 stars). 4 submissions from 4 submitters: Pathogenic (1); Likely pathogenic (2). 1 of the submissions does not count toward it. Last evaluated 2025-11-20.

Conditions:
Cardiovascular phenotype. Identifiers: MedGen CN230736.
Hypertrophic cardiomyopathy. Also called: HYPERTROPHIC MYOCARDIOPATHY. Identifiers: Orphanet 217569, MedGen C0007194, MeSH D002312, MONDO:0005045, HP:0001639.

Submissions (4):

Ambry Genetics
Classification: Likely pathogenic for Cardiovascular phenotype. Last evaluated: 2025-11-20. Review status: criteria provided, single submitter. Criteria: Ambry Variant Classification Scheme 2023. Collection method: clinical testing. Allele origin: germline.
Comment: The p.K351E variant (also known as c.1051A>G), located in coding exon 10 of the MYH7 gene, results from an A to G substitution at nucleotide position 1051. The lysine at codon 351 is replaced by glutamic acid, an amino acid with some similar properties. This variant was reported in individual(s) with features consistent with hypertrophic cardiomyopathy (HCM) (Mohiddin SA et al. Genet Test. 2003;7(1):21-7; Yu B et al. J Clin Pathol. 2005;58(5):479-85; Millat G et al. Clin Chim Acta. 2010;411(23-24):1983-91; Lopes LR et al. Heart, 2015 Feb;101:294-301; Walsh R et al. Genet. Med., 2017 02;19:192-203). This alteration is located in the myosin head domain, which contains a statistically significant clustering of pathogenic missense variants (Homburger JR et al. Proc Natl Acad Sci U S A, 2016 06;113:6701-6; Walsh R et al. Genet Med, 2017 02;19:192-203; Ambry internal data). This amino acid position is highly conserved in available vertebrate species. In addition, this alteration is predicted to be deleterious by in silico analysis. This variant was not reported in population-based cohorts in the Genome Aggregation Database (gnomAD). Based on the majority of available evidence to date, this variant is likely to be pathogenic.

Labcorp Genetics (formerly Invitae), Labcorp
Classification: Pathogenic for Hypertrophic cardiomyopathy. Last evaluated: 2025-04-11. Review status: criteria provided, single submitter. Criteria: Invitae Variant Classification Sherloc (09022015). Collection method: clinical testing. Allele origin: germline.
Comment: This sequence change replaces lysine, which is basic and polar, with glutamic acid, which is acidic and polar, at codon 351 of the MYH7 protein (p.Lys351Glu). This variant is not present in population databases (gnomAD no frequency). This missense change has been observed in individuals with hypertrophic cardiomyopathy (PMID: 12820698, 15858117, 20800588, 25351510, 27532257, 28615295; internal data). ClinVar contains an entry for this variant (Variation ID: 181335). Invitae Evidence Modeling of protein sequence and biophysical properties (such as structural, functional, and spatial information, amino acid conservation, physicochemical variation, residue mobility, and thermodynamic stability) indicates that this missense variant is expected to disrupt MYH7 protein function with a positive predictive value of 95%. This variant is found within a region of MYH7 between codons 181 and 937 that contains the majority of the myosin head domain. Missense variants in this region have been shown to be significantly overrepresented in individuals with hypertrophic cardiomyopathy (PMID: 27532257). For these reasons, this variant has been classified as Pathogenic.

GeneDx
Classification: Likely pathogenic. Last evaluated: 2025-02-13. Review status: criteria provided, single submitter. Criteria: GeneDx Variant Classification Process June 2021. Collection method: clinical testing. Allele origin: germline. Affected: yes.
Comment: Not observed at significant frequency in large population cohorts (gnomAD); In silico analysis supports that this missense variant has a deleterious effect on protein structure/function; This variant is associated with the following publications: (PMID: 12820698, 28606303, 15858117, 28408708, 27532257, 32894683, 29300372, 37652022, 28615295, 34542152, 25351510, 20800588)

Agnes Ginges Centre for Molecular Cardiology, Centenary Institute
Classification: Likely pathogenic for Hypertrophic cardiomyopathy. Last evaluated: 2019-02-04. Review status: no assertion criteria provided. Collection method: research. Allele origin: germline. Inheritance: Autosomal dominant inheritance. Affected: yes. Not counted in ClinVar's aggregate classification.
Comment: MYH7 Lys351Glu has been identified in at least 9 HCM probands (Mohiddin SA, et al., 2003; Millat G, et al., 2010; Lopes LR, et al., 2015; Genedx, Pers. Comm.; Walsh R, et al., 2017) and was found to segregate in one family (Genedx, Pers. Comm.). MYH7 Lys351Glu is absent from the Genome Aggregation Database. In silico tools SIFT and MutationTaster predict this variant to be deleterious, however PolyPhen2 predicts this variant to be 'benign'. In a large HCM population study Walsh et al., showed that MYH7 variants identified in HCM cases were found to cluster between amino acids 181- 937 (2017), this implies that variants in this region are likely to cause a HCM phenotype. Based on the adapted ACMG guidelines (Kelly MA, et al., 2018) this variant is located in a known functional domain of MYH7 (PM1), is very rare in the general population (PM2), has been identified in more than 6 HCM probands (PS4_moderate) and segregates with disease (PP1), therefore we classify MYH7 Lys351Glu as 'likely pathogenic'.

Literature cited by the submitters: PubMed 12820698 (cited by 3 submitters); PubMed 15858117 (cited by 3 submitters); PubMed 20800588 (cited by 3 submitters); PubMed 25351510 (cited by 3 submitters); PubMed 27532257 (cited by 3 submitters); PubMed 28408708 (cited by Ambry Genetics and Agnes Ginges Centre for Molecular Cardiology, Centenary Institute); PubMed 32894683 (cited by Ambry Genetics); PubMed 28615295 (cited by Labcorp Genetics (formerly Invitae), Labcorp).